The following is an entry in ClinVar:

NM_001042492.3(NF1):c.5800T>C (p.Phe1934Leu)

Gene: NF1 (neurofibromin 1; plus strand). Cytogenetic location: 17q11.2.
Variant type: single nucleotide variant.
Coding change: c.5800T>C on transcript NM_001042492.3 (MANE Select); coding-DNA position 5800, T replaced by C.
Protein change: p.Phe1934Leu; replaces phenylalanine 1934 with leucine.
Molecular consequence: missense variant.
Genome position (GRCh38, 1-based): chr17:31,330,486, T>C. VCF-style: chr17-31330486-T-C. GRCh37 (hg19) VCF-style: chr17-29657504-T-C.
Other names: c.5737T>C, p.Phe1913Leu (NM_000267.4); short protein forms F1913L, F1934L.
Identifiers: ClinVar variation 1351458 (VCV001351458.9), dbSNP rs2151544983, ClinGen allele CA399010502.

ClinVar aggregate classification (germline): Uncertain significance. Review status: criteria provided, multiple submitters, no conflicts (2 of 4 stars). 2 submissions from 2 submitters: Uncertain significance (2). Last evaluated 2023-10-10.

Conditions:
Hereditary cancer-predisposing syndrome. Also called: Hereditary Cancer Syndrome; Neoplastic Syndromes, Hereditary; Tumor predisposition; Hereditary neoplastic syndrome. Identifiers: Orphanet 140162, MedGen C0027672, MeSH D009386, MONDO:0015356.
Cardiovascular phenotype. Identifiers: MedGen CN230736.
Neurofibromatosis, type 1 (NF1). Also called: VON RECKLINGHAUSEN DISEASE; Peripheral type neurofibromatosis; Neurofibromatosis, type I; NEUROFIBROMATOSIS, TYPE I, SOMATIC. Identifiers: Orphanet 636, MedGen C0027831, MONDO:0018975, OMIM 162200. Disease mechanism: loss of function.

Submissions (2):

Ambry Genetics
Classification: Uncertain significance for Cardiovascular phenotype; Hereditary cancer-predisposing syndrome. Last evaluated: 2023-10-10. Review status: criteria provided, single submitter. Criteria: Ambry Variant Classification Scheme 2023. Collection method: clinical testing. Allele origin: germline.
Comment: The p.F1913L variant (also known as c.5737T>C), located in coding exon 38 of the NF1 gene, results from a T to C substitution at nucleotide position 5737. The phenylalanine at codon 1913 is replaced by leucine, an amino acid with highly similar properties. This amino acid position is highly conserved in available vertebrate species. In addition, the in silico prediction for this alteration is inconclusive. Since supporting evidence is limited at this time, the clinical significance of this alteration remains unclear.

Labcorp Genetics (formerly Invitae), Labcorp
Classification: Uncertain significance for Neurofibromatosis, type 1. Last evaluated: 2020-11-26. Review status: criteria provided, single submitter. Criteria: Invitae Variant Classification Sherloc (09022015). Collection method: clinical testing. Allele origin: germline.
Comment: In summary, the available evidence is currently insufficient to determine the role of this variant in disease. Therefore, it has been classified as a Variant of Uncertain Significance. Algorithms developed to predict the effect of missense changes on protein structure and function are either unavailable or do not agree on the potential impact of this missense change (SIFT: "Tolerated"; PolyPhen-2: "Probably Damaging"; Align-GVGD: "Class C0"). This variant has not been reported in the literature in individuals with NF1-related conditions. This variant is not present in population databases (ExAC no frequency). This sequence change replaces phenylalanine with leucine at codon 1913 of the NF1 protein (p.Phe1913Leu). The phenylalanine residue is moderately conserved and there is a small physicochemical difference between phenylalanine and leucine.